The following is an entry in ClinVar:

ClinVar aggregate classification (germline): Uncertain significance (1 of 4 stars; one submission).

Allele frequency attached by ClinVar (database versions not stated): gnomAD exomes below 0.00001; TOPMed 0.00001.
gnomAD v4.1: 1 of 1,612,282 alleles (0.000062%); highest among the groups gnomAD compares: South Asian, 0.0011%; no homozygotes.

Submission:

Labcorp Genetics (formerly Invitae), Labcorp
Classification: Uncertain significance. Last evaluated: 2022-04-12. Review status: criteria provided, single submitter. Criteria: Invitae Variant Classification Sherloc (09022015). Collection method: clinical testing. Allele origin: germline.
Comment: This sequence change replaces glutamic acid, which is acidic and polar, with lysine, which is basic and polar, at codon 514 of the MYO15A protein (p.Glu514Lys). This variant is not present in population databases (gnomAD no frequency). This variant has not been reported in the literature in individuals affected with MYO15A-related conditions. Advanced modeling of protein sequence and biophysical properties (such as structural, functional, and spatial information, amino acid conservation, physicochemical variation, residue mobility, and thermodynamic stability) performed at Invitae indicates that this missense variant is not expected to disrupt MYO15A protein function. In summary, the available evidence is currently insufficient to determine the role of this variant in disease. Therefore, it has been classified as a Variant of Uncertain Significance.

NM_016239.4(MYO15A):c.1540G>A (p.Glu514Lys)

Gene: MYO15A (myosin XVA; plus strand). Cytogenetic location: 17p11.2.
Variant type: single nucleotide variant.
Coding change: c.1540G>A on transcript NM_016239.4 (MANE Select); coding-DNA position 1540, G replaced by A.
Protein change: p.Glu514Lys; replaces glutamic acid 514 with lysine.
Molecular consequence: missense variant.
Genome position (GRCh38, 1-based): chr17:18,120,340, G>A. VCF-style: chr17-18120340-G-A. GRCh37 (hg19) VCF-style: chr17-18023654-G-A.
Other names: short protein forms E514K.
Identifiers: ClinVar variation 1969327 (VCV001969327.3), dbSNP rs2045890190, ClinGen allele CA398579547.